The following is an entry in ClinVar:

ClinVar aggregate classification (germline): Likely benign. Review status: criteria provided, multiple submitters, no conflicts (2 of 4 stars). 5 submissions from 5 submitters: Likely benign (5). Last evaluated 2026-02-01.

Conditions:
Donnai-Barrow syndrome. Also called: DBS/FOAR SYNDROME; FACIOOCULOACOUSTICORENAL SYNDROME. Identifiers: Orphanet 2143, MedGen C1857277, MONDO:0009104, OMIM 222448.

Allele frequency attached by ClinVar (database versions not stated): gnomAD 0.00005 and 0.00007; TOPMed 0.00007; gnomAD exomes 0.00012 and 0.00024; 1000 Genomes Project 30x 0.00016; 1000 Genomes Project 0.00020; ESP Exome Variant Server 0.00023; ExAC 0.00027.
gnomAD v4.1: 205 of 1,614,090 alleles (0.013%); highest among the groups gnomAD compares: Middle Eastern, 0.12%; no homozygotes.

Submissions (5):

Labcorp Genetics (formerly Invitae), Labcorp
Classification: Likely benign. Last evaluated: 2026-02-01. Review status: criteria provided, single submitter. Criteria: Invitae Variant Classification Sherloc (09022015). Collection method: clinical testing. Allele origin: germline.

Blueprint Genetics
Classification: Likely benign. Last evaluated: 2024-08-22. Review status: criteria provided, single submitter. Criteria: ACMG Guidelines, 2015. Collection method: clinical testing. Allele origin: germline.

CeGaT Center for Human Genetics Tuebingen
Classification: Likely benign. Last evaluated: 2022-09-01. Review status: criteria provided, single submitter. Criteria: CeGaT Center For Human Genetics Tuebingen Variant Classification Criteria Version 2. Collection method: clinical testing. Allele origin: germline. Affected: yes. Observed: 1 variant allele.
Comment: LRP2: BP4, BP7

Fulgent Genetics
Classification: Likely benign for Donnai-Barrow syndrome. Last evaluated: 2022-03-16. Review status: criteria provided, single submitter. Criteria: ACMG Guidelines, 2015. Collection method: clinical testing. Allele origin: unknown.

Breakthrough Genomics
Classification: Likely benign. Review status: criteria provided, single submitter. Criteria: ACMG Guidelines, 2015. Collection method: not provided. Allele origin: germline. Inheritance: Autosomal recessive inheritance. Affected: yes.

NM_004525.3(LRP2):c.9981C>G (p.Ala3327=)

Gene: LRP2 (LDL receptor related protein 2; minus strand). Cytogenetic location: 2q31.1.
Variant type: single nucleotide variant.
Coding change: c.9981C>G on transcript NM_004525.3 (MANE Select); coding-DNA position 9981, C replaced by G.
Protein change: p.Ala3327=; no amino-acid change (alanine 3327 retained).
Molecular consequence: synonymous variant.
Genome position (GRCh38, 1-based): chr2:169,182,184, G>C on the plus strand (C>G on the coding strand, the complement: LRP2 is on the minus strand). VCF-style: chr2-169182184-G-C. GRCh37 (hg19) VCF-style: chr2-170038694-G-C.
Identifiers: ClinVar variation 742398 (VCV000742398.35), dbSNP rs149558767, ClinGen allele CA1953472.